The following is an entry in ClinVar:

NM_001386393.1(PANK2):c.1122dup (p.Ser375fs)

Gene: PANK2 (pantothenate kinase 2; plus strand). Cytogenetic location: 20p13.
Variant type: Duplication.
Coding change: c.1122dup on transcript NM_001386393.1 (MANE Select); coding-DNA position 1122, one base duplicated (C; older notation c.1122dupC).
Protein change: p.Ser375fs; shifts the reading frame from serine 375.
Molecular consequence: frameshift variant. On other transcripts: non-coding transcript variant (1).
Genome position (GRCh38, 1-based): chr20:3,916,966, C duplicated. VCF-style (leftmost placement, unchanged base first): chr20-3916965-T-TC. GRCh37 (hg19) VCF-style: chr20-3897612-T-TC.
Other names: c.579dup, p.Ser194fs (NM_001324191.2, NM_024960.6, NM_153640.4); c.144dup, p.Ser49fs (NM_001324193.2); c.1452dup, p.Ser485fs (NM_153638.4); short protein forms S194fs, S375fs, S485fs, S49fs.
Identifiers: ClinVar variation 4822912 (VCV004822912.4).

ClinVar aggregate classification (germline): Pathogenic (1 of 4 stars; one submission).

Submission:

CeGaT Center for Human Genetics Tuebingen
Classification: Pathogenic. Last evaluated: 2026-01-01. Review status: criteria provided, single submitter. Criteria: CeGaT Center For Human Genetics Tuebingen Variant Classification Criteria Version 2. Collection method: clinical testing. Allele origin: germline. Affected: yes. Observed: 1 variant allele.
Comment: PANK2: PVS1, PM2